The following is an entry in ClinVar:

NM_001379291.1(BRD4):c.3038C>T (p.Pro1013Leu)

Gene: BRD4 (bromodomain containing 4; minus strand). Cytogenetic location: 19p13.12.
Variant type: single nucleotide variant.
Coding change: c.3038C>T on transcript NM_001379291.1 (MANE Select); coding-DNA position 3038, C replaced by T.
Protein change: p.Pro1013Leu; replaces proline 1013 with leucine.
Molecular consequence: missense variant.
Genome position (GRCh38, 1-based): chr19:15,243,031, G>A on the plus strand (C>T on the coding strand, the complement: BRD4 is on the minus strand). VCF-style: chr19-15243031-G-A. GRCh37 (hg19) VCF-style: chr19-15353842-G-A.
Other names: c.3038C>T, p.Pro1013Leu (NM_058243.3); short protein forms P1013L.
Identifiers: ClinVar variation 2066959 (VCV002066959.4), dbSNP rs773823785, ClinGen allele CA9264832.

ClinVar aggregate classification (germline): Uncertain significance (1 of 4 stars; one submission).

Allele frequency attached by ClinVar (database versions not stated): gnomAD exomes 0.00001; gnomAD 0.00002; ExAC 0.00007.
gnomAD v4.1: 17 of 1,532,272 alleles (0.0011%); highest among the groups gnomAD compares: Admixed American, 0.01%; 1 homozygote.

Submission:

Labcorp Genetics (formerly Invitae), Labcorp
Classification: Uncertain significance. Last evaluated: 2025-08-14. Review status: criteria provided, single submitter. Criteria: Invitae Variant Classification Sherloc (09022015). Collection method: clinical testing. Allele origin: germline.
Comment: This sequence change replaces proline, which is neutral and non-polar, with leucine, which is neutral and non-polar, at codon 1013 of the BRD4 protein (p.Pro1013Leu). This variant is present in population databases (rs773823785, gnomAD 0.01%). This variant has not been reported in the literature in individuals affected with BRD4-related conditions. ClinVar contains an entry for this variant (Variation ID: 2066959). Invitae Evidence Modeling of protein sequence and biophysical properties (such as structural, functional, and spatial information, amino acid conservation, physicochemical variation, residue mobility, and thermodynamic stability) indicates that this missense variant is not expected to disrupt BRD4 protein function with a negative predictive value of 80%. In summary, the available evidence is currently insufficient to determine the role of this variant in disease. Therefore, it has been classified as a Variant of Uncertain Significance.